The following is an entry in ClinVar:

NM_001371986.1(UNC80):c.458A>T (p.Glu153Val)

Gene: UNC80 (unc-80 subunit of NALCN channel complex; plus strand). Cytogenetic location: 2q34.
Variant type: single nucleotide variant.
Coding change: c.458A>T on transcript NM_001371986.1 (MANE Select); coding-DNA position 458, A replaced by T.
Protein change: p.Glu153Val; replaces glutamic acid 153 with valine.
Molecular consequence: missense variant.
Genome position (GRCh38, 1-based): chr2:209,777,417, A>T. VCF-style: chr2-209777417-A-T. GRCh37 (hg19) VCF-style: chr2-210642141-A-T.
Other names: c.458A>T, p.Glu153Val (NM_032504.2, NM_182587.4); short protein forms E153V.
Identifiers: ClinVar variation 1485876 (VCV001485876.6), dbSNP rs200046472, ClinGen allele CA2082745.

ClinVar aggregate classification (germline): Uncertain significance. Review status: criteria provided, multiple submitters, no conflicts (2 of 4 stars). 4 submissions from 4 submitters: Uncertain significance (4). Last evaluated 2024-12-18.

Conditions:
Hypotonia, infantile, with psychomotor retardation and characteristic facies 2 (IHPRF2). Also called: UNC80 Deficiency. Identifiers: Orphanet 371364, Orphanet 700333, MedGen C4225203, MONDO:0014777, OMIM 616801.

Allele frequency attached by ClinVar (database versions not stated): gnomAD 0.00004; TOPMed 0.00005.

Submissions (4):

3billion
Classification: Uncertain significance for Hypotonia, infantile, with psychomotor retardation and characteristic facies 2. Last evaluated: 2024-12-18. Review status: criteria provided, single submitter. Criteria: ACMG Guidelines, 2015. Collection method: clinical testing. Allele origin: germline. Affected: yes.
Comment: The variant is observed at an extremely low frequency in the gnomAD v4.1.0 dataset (total allele frequency: 0.003%). Predicted Consequence/Location: Missense variant In silico tool predictions suggest damaging effect of the variant on gene or gene product [3Cnet: 0.69 (>=0.6, sensitivity 0.72 and precision 0.9)]. The variant has been reported as of uncertain significance (ClinVar ID: VCV001485876). Therefore, this variant is classified as VUS according to the recommendation of ACMG/AMP guideline.

Blueprint Genetics
Classification: Uncertain significance. Last evaluated: 2024-09-06. Review status: criteria provided, single submitter. Criteria: ACMG Guidelines, 2015. Collection method: clinical testing. Allele origin: germline.

Pittsburgh Clinical Genomics Laboratory, University of Pittsburgh Medical Center
Classification: Uncertain significance for Hypotonia, infantile, with psychomotor retardation and characteristic facies 2. Last evaluated: 2024-02-06. Review status: criteria provided, single submitter. Criteria: ACMG Guidelines, 2015. Collection method: clinical testing. Allele origin: germline. Inheritance: Autosomal recessive inheritance. Affected: yes.
Comment: This sequence variant is a single nucleotide substitution (A>T) at position 458 of the coding sequence of the UNC80 gene that results in a glutamic acid to valine amino acid change at residue 153 of the unc-80 homolog, NALCN channel complex subunit protein. This is a previously reported variant (ClinVar 1485876) that has not been observed in the literature in individuals affected by UNC80-related disease, to our knowledge. This variant is present in 30 of 403662 alleles (0.0074%) in the gnomAD population dataset. Bioinformatic tools are inconclusive if this amino acid change will be damaging or tolerated, and the Glu153 residue at this position is highly conserved across the vertebrate species examined. Studies examining the functional consequence of this variant have not been performed, to our knowledge. At this time, there is insufficient evidence to determine if this variant is pathogenic or benign. Therefore, we consider this a variant of uncertain significance. ACMG Criteria: BP1

Labcorp Genetics (formerly Invitae), Labcorp
Classification: Uncertain significance. Last evaluated: 2021-09-23. Review status: criteria provided, single submitter. Criteria: Invitae Variant Classification Sherloc (09022015). Collection method: clinical testing. Allele origin: germline.
Comment: This sequence change replaces glutamic acid with valine at codon 153 of the UNC80 protein (p.Glu153Val). The glutamic acid residue is weakly conserved and there is a moderate physicochemical difference between glutamic acid and valine. This variant is present in population databases (rs200046472, ExAC 0.03%). This variant has not been reported in the literature in individuals affected with UNC80-related conditions. Algorithms developed to predict the effect of missense changes on protein structure and function are either unavailable or do not agree on the potential impact of this missense change (SIFT: "Not Available"; PolyPhen-2: "Probably Damaging"; Align-GVGD: "Not Available"). In summary, the available evidence is currently insufficient to determine the role of this variant in disease. Therefore, it has been classified as a Variant of Uncertain Significance.